The following is an entry in ClinVar:

ClinVar aggregate classification (germline): Uncertain significance. Review status: criteria provided, multiple submitters, no conflicts (2 of 4 stars). 4 submissions from 4 submitters: Uncertain significance (2). 2 of the submissions do not count toward it. Last evaluated 2026-01-25.

Conditions:
Cardiovascular phenotype. Identifiers: MedGen CN230736.
Catecholaminergic polymorphic ventricular tachycardia 1. Also called: RYR2-Related Catecholaminergic Polymorphic Ventricular Tachycardia; VENTRICULAR TACHYCARDIA, CATECHOLAMINERGIC POLYMORPHIC, 1, WITH OR WITHOUT ATRIAL DYSFUNCTION AND/OR DILATED CARDIOMYOPATHY; VENTRICULAR TACHYCARDIA, STRESS-INDUCED POLYMORPHIC 1. Identifiers: Orphanet 3286, MedGen C1631597, MONDO:0011484, OMIM 604772.

Submissions (4):

Ambry Genetics
Classification: Uncertain significance for Cardiovascular phenotype. Last evaluated: 2026-01-25. Review status: criteria provided, single submitter. Criteria: Ambry Variant Classification Scheme 2023. Collection method: clinical testing. Allele origin: germline.

Labcorp Genetics (formerly Invitae), Labcorp
Classification: Uncertain significance for Catecholaminergic polymorphic ventricular tachycardia 1. Last evaluated: 2025-07-27. Review status: criteria provided, single submitter. Criteria: Invitae Variant Classification Sherloc (09022015). Collection method: clinical testing. Allele origin: germline.
Comment: This sequence change replaces arginine, which is basic and polar, with cysteine, which is neutral and slightly polar, at codon 253 of the CASQ2 protein (p.Arg253Cys). This variant is present in population databases (no rsID available, gnomAD 0.003%). This missense change has been observed in individual(s) with arrhythmia (PMID: 30847666). ClinVar contains an entry for this variant (Variation ID: 1284453). Invitae Evidence Modeling of protein sequence and biophysical properties (such as structural, functional, and spatial information, amino acid conservation, physicochemical variation, residue mobility, and thermodynamic stability) has been performed for this missense variant. However, the output from this modeling did not meet the statistical confidence thresholds required to predict the impact of this variant on CASQ2 protein function. In summary, the available evidence is currently insufficient to determine the role of this variant in disease. Therefore, it has been classified as a Variant of Uncertain Significance.

Clinical Genetics, Academic Medical Center
Classification: Uncertain significance. Review status: no assertion criteria provided. Collection method: clinical testing. Allele origin: germline. Affected: yes. Study: VKGL Data-share Consensus. Not counted in ClinVar's aggregate classification.

Genome Diagnostics Laboratory, University Medical Center Utrecht
Classification: Uncertain significance. Review status: no assertion criteria provided. Collection method: clinical testing. Allele origin: germline. Affected: yes. Study: VKGL Data-share Consensus. Not counted in ClinVar's aggregate classification.

Literature cited by the submitters: PubMed 30847666 (cited by Labcorp Genetics (formerly Invitae), Labcorp).

NM_001232.4(CASQ2):c.757C>T (p.Arg253Cys)

Gene: CASQ2 (calsequestrin 2; minus strand). Cytogenetic location: 1p13.1.
Variant type: single nucleotide variant.
Coding change: c.757C>T on transcript NM_001232.4 (MANE Select); coding-DNA position 757, C replaced by T.
Protein change: p.Arg253Cys; replaces arginine 253 with cysteine.
Molecular consequence: missense variant.
Genome position (GRCh38, 1-based): chr1:115,725,534, G>A on the plus strand (C>T on the coding strand, the complement: CASQ2 is on the minus strand). VCF-style: chr1-115725534-G-A. GRCh37 (hg19) VCF-style: chr1-116268155-G-A.
Other names: short protein forms R253C.
Identifiers: ClinVar variation 1284453 (VCV001284453.6), dbSNP rs727504510, ClinGen allele CA341768568.
Genomic context (GRCh38, chr1:115,725,534, plus strand): 5'-TCTACAAGGCAAAGAGAGTTTGCCTCTTTCTTACCCATGTTTCAAACATTTCTTCTGGGC[G>A]CAGGCGACGTAGAGTGGGTCTGGAAAAAAAAAAAAAAAAAAAAAAAGAAAGAGCTTCCTT-3'
Protein context (NP_001223.2, residues 243-263): EHQRPTLRRL[Arg253Cys]PEEMFETWED